The following is an entry in ClinVar:

NM_000350.3(ABCA4):c.3064G>A (p.Glu1022Lys)

Gene: ABCA4 (ATP binding cassette subfamily A member 4; minus strand). Cytogenetic location: 1p22.1.
Variant type: single nucleotide variant.
Coding change: c.3064G>A on transcript NM_000350.3 (MANE Select); coding-DNA position 3064, G replaced by A.
Protein change: p.Glu1022Lys; replaces glutamic acid 1022 with lysine.
Molecular consequence: missense variant.
Genome position (GRCh38, 1-based): chr1:94,043,462, C>T on the plus strand (G>A on the coding strand, the complement: ABCA4 is on the minus strand). VCF-style: chr1-94043462-C-T. GRCh37 (hg19) VCF-style: chr1-94509018-C-T.
Other names: NP_000341.2:p.(Glu1022Lys); c.2842G>A, p.Glu948Lys (NM_001425324.1); short protein forms E1022K, E948K.
Identifiers: ClinVar variation 99196 (VCV000099196.19), dbSNP rs61749459, ClinGen allele CA227078.
Genomic context (GRCh38, chr1:94,043,462, plus strand): 5'-TCTCCAGCTGGGCCTCCTCCTGGGACTTTCCTTTCAGCTGGGCATAGAACAGCATGTGCT[C>T]AGCCACCGTGAGGCTAGGAGGATGGGACAACGAGAAAAGCAGTGGCTTAGCACTTCCACT-3'
Protein context (NP_000341.2, residues 1012-1032): NILFHHLTVA[Glu1022Lys]HMLFYAQLKG

ClinVar aggregate classification (germline): Pathogenic/Likely pathogenic. Review status: criteria provided, multiple submitters, no conflicts (2 of 4 stars). 12 submissions from 11 submitters: Pathogenic (3); Likely pathogenic (7). 2 of the submissions do not count toward it. Last evaluated 2026-01-24.

Conditions:
ABCA4-related disorder. Also called: ABCA4-related condition; ABCA4-related disorders. Identifiers: MedGen CN239167.
Retinal dystrophy. Also called: Inherited retinal dystrophy. Identifiers: Orphanet 71862, MedGen C0854723, MeSH D058499, MONDO:0019118, HP:0000556.
Retinitis pigmentosa (RP). Identifiers: Orphanet 791, MedGen C0035334, MeSH D012174, MONDO:0019200, OMIM 268000. Inheritance: Autosomal dominant, autosomal recessive and X linked inheritance.
Stargardt disease (FFM). Also called: Fundus flavimaculatus; Stargardt's disease. Identifiers: Orphanet 827, MedGen C0271093, MONDO:0019353.
Severe early-childhood-onset retinal dystrophy (STGD1). Also called: MACULAR DYSTROPHY WITH FLECKS, TYPE 1; STGD; Stargardt disease 1; Stargardt macular dystrophy; Juvenile onset macular degeneration. Identifiers: Orphanet 364055, Orphanet 827, MedGen C1855465, MeSH D000080362, MONDO:0009549, OMIM 248200.
Retinal disorder. Also called: Retinopathy; Retinopathies; Retinal Diseases; Retinal disorders. Identifiers: MedGen C0035309, MONDO:0005283, HP:0000488.

Allele frequency attached by ClinVar (database versions not stated): ExAC 0.00001; gnomAD exomes 0.00001.
gnomAD v4.1: 6 of 1,614,176 alleles (0.00037%); highest among the groups gnomAD compares: South Asian, 0.0055%; no homozygotes.

Submissions (12):

Labcorp Genetics (formerly Invitae), Labcorp
Classification: Pathogenic. Last evaluated: 2026-01-24. Review status: criteria provided, single submitter. Criteria: Invitae Variant Classification Sherloc (09022015). Collection method: clinical testing. Allele origin: germline.
Comment: This sequence change replaces glutamic acid, which is acidic and polar, with lysine, which is basic and polar, at codon 1022 of the ABCA4 protein (p.Glu1022Lys). This variant is present in population databases (rs61749459, gnomAD 0.003%). This missense change has been observed in individuals with Stargardt disease (PMID: 11702214, 23982839, 30834176). It has also been observed to segregate with disease in related individuals. ClinVar contains an entry for this variant (Variation ID: 99196). Invitae Evidence Modeling of protein sequence and biophysical properties (such as structural, functional, and spatial information, amino acid conservation, physicochemical variation, residue mobility, and thermodynamic stability) indicates that this missense variant is expected to disrupt ABCA4 protein function with a positive predictive value of 95%. For these reasons, this variant has been classified as Pathogenic.

Genetics Laboratory, Great Ormond Street Hospital NHS Foundation Trust, North Thames Genomic Laboratory Hub
Classification: Likely pathogenic for Retinal disorders. Last evaluated: 2025-11-27. Review status: criteria provided, single submitter. Criteria: ACGS Best Practice Guidelines for Variant Classification in Rare Disease 2024 v1.2. Collection method: clinical testing. Allele origin: germline. Affected: yes.
Comment: PM2_moderate, PP3_supporting, PP1_moderate, PM3_moderate

SingHealth Duke-NUS Institute of Precision Medicine
Classification: Likely pathogenic for Severe early-childhood-onset retinal dystrophy. Last evaluated: 2025-02-05. Review status: criteria provided, single submitter. Criteria: PRISM ACMG Classification Criteria. Collection method: clinical testing. Allele origin: germline. Affected: yes.
Comment: Other variants at this amino acid residue have been classified as pathogenic (PM5, p.Glu1022Gly; p.Glu1022Asp). REVEL score is 0.908 (PP3_mod). Variant is located in a mutational hotspot where >50% of variants are pathogenic (PM1). Homozygous allele count in gnomAD exomes and genomes is less than 2 (PM2)

Women's Health and Genetics/Laboratory Corporation of America, LabCorp
Classification: Pathogenic for Retinitis pigmentosa. Last evaluated: 2024-10-22. Review status: criteria provided, single submitter. Criteria: LabCorp Variant Classification Summary - May 2015. Collection method: clinical testing. Allele origin: germline.
Comment: Variant summary: ABCA4 c.3064G>A (p.Glu1022Lys) results in a conservative amino acid change located in the ABC transporter-like, ATP-binding domain (IPR003439) of the encoded protein sequence. Four of five in-silico tools predict a damaging effect of the variant on protein function. The variant allele was found at a frequency of 8e-06 in 251268 control chromosomes. c.3064G>A has been reported in the literature in multiple compound heterozygous or homozygous individuals affected with Retinitis Pigmentosa or Stargardt Disease (e.g. Yohe_2020, Downes_2012, Panneman_2023). These data indicate that the variant is very likely to be associated with disease. To our knowledge, no experimental evidence demonstrating an impact on protein function has been reported. The following publications have been ascertained in the context of this evaluation (PMID: 23143460, 36819107, 31816670). ClinVar contains an entry for this variant (Variation ID: 99196). Based on the evidence outlined above, the variant was classified as pathogenic.

PreventionGenetics, part of Exact Sciences
Classification: Likely pathogenic for ABCA4-related condition. Last evaluated: 2023-10-06. Review status: criteria provided, single submitter. Criteria: ACMG Guidelines, 2015. Collection method: clinical testing. Allele origin: germline.
Comment: The ABCA4 c.3064G>A variant is predicted to result in the amino acid substitution p.Glu1022Lys. This variant has been reported many times in individuals with Stargardt disease (see for examples Fumagalli et al. 2001. PubMed ID: 11702214; Table S1 in Fujinami et al. 2019. PubMed ID: 29925512; Table S4 in Panneman et al. 2023. PubMed ID: 36819107). This variant is reported in 0.0033% of alleles in individuals of South Asian descent in gnomAD. Given the evidence, we interpret this variant as likely pathogenic.

Ophthalmic Genetics Group, Institute of Molecular and Clinical Ophthalmology Basel
Classification: Pathogenic for Stargardt disease. Last evaluated: 2023-07-24. Review status: criteria provided, single submitter. Criteria: ACMG Guidelines, 2015. Collection method: research. Allele origin: germline. Affected: yes. Observed: 1 variant allele.
Comment: Clinical significance based on ACMG v2.0

This variant was classified as Pathogenic based on ACMG criteria: PS4, PM1, PP2, PM2, PM5, PP3, PP5.

Blueprint Genetics
Classification: Likely pathogenic for ABCA4-related disorders. Last evaluated: 2022-11-09. Review status: criteria provided, single submitter. Criteria: ACMG Guidelines, 2015. Collection method: clinical testing. Allele origin: germline. Affected: yes. Observed: 4 variant alleles.

Institute of Human Genetics, Univ. Regensburg, Univ. Regensburg
Classification: Likely pathogenic for Retinal dystrophy. Last evaluated: 2020-01-01. Review status: criteria provided, single submitter. Criteria: ACMG Guidelines, 2015. Collection method: clinical testing. Allele origin: germline. Affected: yes.

GeneDx
Classification: Likely pathogenic. Last evaluated: 2016-10-12. Review status: criteria provided, single submitter. Criteria: GeneDx Variant Classification (06012015). Collection method: clinical testing. Allele origin: germline. Affected: yes.
Comment: The E1022K variant has been published in association with ABCA4-related disorders (Webster et al., 2001; Stone et al., 2003; Stenirri et al., 2004; Fumagalli et al., 2001; Fujinami et al., 2013; Fujinami et al., 2015). The E1022K variant was not observed in approximately 6,500 individuals of European and African American ancestry in the NHLBI Exome Sequencing Project, indicating it is not a common benign variant in these populations. The E1022K variant is a non-conservative amino acid substitution, which is likely to impact secondary protein structure as these residues differ in polarity, charge, size and/or other properties. This substitution occurs at a position that is conserved across species. In silico analysis predicts this variant is probably damaging to the protein structure/function. Missense variants in nearby residues (T1019A, T1019M, F1026L) have been reported in the Human Gene Mutation Database in association with Stargardt disease (Stenson et al., 2014). Therefore, based on the currently available information, E1022K is likely pathogenic.

Institute of Human Genetics, Univ. Regensburg, Univ. Regensburg
Classification: Likely pathogenic for Severe early-childhood-onset retinal dystrophy. Last evaluated: 2016-01-01. Review status: criteria provided, single submitter. Criteria: Schulz et al. (Invest Ophthalmol Vis Sci. 2017). Collection method: clinical testing. Allele origin: germline. Affected: yes. Observed: 1 homozygote.

NIHR Bioresource Rare Diseases, University of Cambridge
Classification: Likely pathogenic. Last evaluated: 2015-01-01. Review status: no assertion criteria provided. Collection method: research. Allele origin: unknown. Affected: yes. Observed: 1 variant allele. Not counted in ClinVar's aggregate classification.

Retina International
No classification provided. Review status: no classification provided. Collection method: not provided. Allele origin: not provided. Not counted in ClinVar's aggregate classification.

Literature cited by the submitters: PubMed 11702214 (cited by 3 submitters); PubMed 23982839 (cited by Labcorp Genetics (formerly Invitae), Labcorp); PubMed 30834176 (cited by Labcorp Genetics (formerly Invitae), Labcorp); PubMed 31816670 (cited by Women's Health and Genetics/Laboratory Corporation of America, LabCorp and Institute of Human Genetics, Univ. Regensburg, Univ. Regensburg); PubMed 36819107 (cited by Women's Health and Genetics/Laboratory Corporation of America, LabCorp and Institute of Human Genetics, Univ. Regensburg, Univ. Regensburg); PubMed 23143460 (cited by Women's Health and Genetics/Laboratory Corporation of America, LabCorp); PubMed 36909829 (cited by Ophthalmic Genetics Group, Institute of Molecular and Clinical Ophthalmology Basel); PubMed 29925512 (cited by Institute of Human Genetics, Univ. Regensburg, Univ. Regensburg); PubMed 31964843 (cited by Institute of Human Genetics, Univ. Regensburg, Univ. Regensburg); PubMed 32581362 (cited by Institute of Human Genetics, Univ. Regensburg, Univ. Regensburg); PubMed 33749171 (cited by Institute of Human Genetics, Univ. Regensburg, Univ. Regensburg); PubMed 35260635 (cited by Institute of Human Genetics, Univ. Regensburg, Univ. Regensburg); PubMed 35836572 (cited by Institute of Human Genetics, Univ. Regensburg, Univ. Regensburg); PubMed 28041643 (cited by NIHR Bioresource Rare Diseases, University of Cambridge).